The following is an entry in ClinVar:

ClinVar aggregate classification (germline): Uncertain significance. Review status: criteria provided, multiple submitters, no conflicts (2 of 4 stars). 2 submissions from 2 submitters: Uncertain significance (2). Last evaluated 2024-04-24.

Conditions:
Hereditary cancer-predisposing syndrome. Also called: Neoplastic Syndromes, Hereditary; Tumor predisposition; Hereditary Cancer Syndrome; Hereditary neoplastic syndrome. Identifiers: Orphanet 140162, MedGen C0027672, MeSH D009386, MONDO:0015356.

Submissions (2):

Labcorp Genetics (formerly Invitae), Labcorp
Classification: Uncertain significance. Last evaluated: 2024-04-24. Review status: criteria provided, single submitter. Criteria: Invitae Variant Classification Sherloc (09022015). Collection method: clinical testing. Allele origin: germline.
Comment: This sequence change replaces threonine, which is neutral and polar, with alanine, which is neutral and non-polar, at codon 69 of the CTNNA1 protein (p.Thr69Ala). This variant is not present in population databases (gnomAD no frequency). This variant has not been reported in the literature in individuals affected with CTNNA1-related conditions. ClinVar contains an entry for this variant (Variation ID: 1785182). Advanced modeling of protein sequence and biophysical properties (such as structural, functional, and spatial information, amino acid conservation, physicochemical variation, residue mobility, and thermodynamic stability) has been performed at Invitae for this missense variant, however the output from this modeling did not meet the statistical confidence thresholds required to predict the impact of this variant on CTNNA1 protein function. In summary, the available evidence is currently insufficient to determine the role of this variant in disease. Therefore, it has been classified as a Variant of Uncertain Significance.

Ambry Genetics
Classification: Uncertain significance for Hereditary cancer-predisposing syndrome. Last evaluated: 2022-10-14. Review status: criteria provided, single submitter. Criteria: Ambry Variant Classification Scheme 2023. Collection method: clinical testing. Allele origin: germline.
Comment: The p.T69A variant (also known as c.205A>G), located in coding exon 2 of the CTNNA1 gene, results from an A to G substitution at nucleotide position 205. The threonine at codon 69 is replaced by alanine, an amino acid with similar properties. This amino acid position is conserved. In addition, this alteration is predicted to be tolerated by in silico analysis. Since supporting evidence is limited at this time, the clinical significance of this alteration remains unclear.

NM_001903.5(CTNNA1):c.205A>G (p.Thr69Ala)

Gene: CTNNA1 (catenin alpha 1; plus strand). Cytogenetic location: 5q31.2.
Variant type: single nucleotide variant.
Coding change: c.205A>G on transcript NM_001903.5 (MANE Select); coding-DNA position 205, A replaced by G.
Protein change: p.Thr69Ala; replaces threonine 69 with alanine.
Molecular consequence: missense variant. On other transcripts: intron variant (2).
Genome position (GRCh38, 1-based): chr5:138,783,276, A>G. VCF-style: chr5-138783276-A-G. GRCh37 (hg19) VCF-style: chr5-138118965-A-G.
Other names: c.205A>G, p.Thr69Ala (NM_001290307.3, NM_001323982.2, NM_001323983.1 and 3 more transcripts); c.-6+4A>G (NM_001290310.3); c.-9+1247A>G (NM_001290309.3); short protein forms T69A.
Identifiers: ClinVar variation 1785182 (VCV001785182.7), dbSNP rs1755335076, ClinGen allele CA361477467.